The following is an entry in ClinVar:

NM_000254.3(MTR):c.*5909C>T

Gene: MTR (5-methyltetrahydrofolate-homocysteine methyltransferase; plus strand). Cytogenetic location: 1q43.
Variant type: single nucleotide variant.
Coding change: c.*5909C>T on transcript NM_000254.3 (MANE Select); 5909 bases downstream of the stop codon, C replaced by T.
Molecular consequence: 3 prime UTR variant.
Genome position (GRCh38, 1-based): chr1:236,903,553, C>T. VCF-style: chr1-236903553-C-T. GRCh37 (hg19) VCF-style: chr1-237066853-C-T.
Other names: c.*5909C>T (NM_001291939.1, NM_001291940.2).
Identifiers: ClinVar variation 296694 (VCV000296694.6), dbSNP rs14354, ClinGen allele CA10609751.
Genomic context (GRCh38, chr1:236,903,553, plus strand): 5'-TTTAAGTATTATTATAGACTTTTGGAGACTCACGAAACAAGCAATCCCTAAATTCTCGCC[C>T]AGGAAAGTATCTTGGATTAAATGGTTTTTGAGAACCTTGAGAGTGTATATTCTATGAAAT-3'

ClinVar aggregate classification (germline): Benign. Review status: criteria provided, multiple submitters, no conflicts (2 of 4 stars). 2 submissions from 2 submitters: Benign (2). Last evaluated 2018-01-13.

Conditions:
Disorders of Intracellular Cobalamin Metabolism. Identifiers: MedGen CN043592.

Allele frequency attached by ClinVar (database versions not stated): gnomAD 0.15829 and 0.16234; TOPMed 0.17756; 1000 Genomes Project 0.22444; 1000 Genomes Project 30x 0.22751.

Submissions (2):

Illumina Laboratory Services, Illumina
Classification: Benign for Disorders of Intracellular Cobalamin Metabolism. Last evaluated: 2018-01-13. Review status: criteria provided, single submitter. Criteria: ICSL Variant Classification Criteria 13 December 2019. Collection method: clinical testing. Allele origin: germline.
Comment: This variant was observed in the ICSL laboratory as part of a predisposition screen in an ostensibly healthy population. It had not been previously curated by ICSL or reported in the Human Gene Mutation Database (HGMD: prior to June 1st, 2018), and was therefore a candidate for classification through an automated scoring system. Utilizing variant allele frequency, disease prevalence and penetrance estimates, and inheritance mode, an automated score was calculated to assess if this variant is too frequent to cause the disease. Based on the score and internal cut-off values, a variant classified as benign is not then subjected to further curation. The score for this variant resulted in a classification of benign for this disease.

Breakthrough Genomics
Classification: Benign. Review status: criteria provided, single submitter. Criteria: ACMG Guidelines, 2015. Collection method: not provided. Allele origin: germline. Inheritance: Autosomal recessive inheritance. Affected: yes.